The following is an entry in ClinVar:

NM_006514.4(SCN10A):c.2311C>G (p.Pro771Ala)

Gene: SCN10A (sodium voltage-gated channel alpha subunit 10; minus strand). Cytogenetic location: 3p22.2.
Variant type: single nucleotide variant.
Coding change: c.2311C>G on transcript NM_006514.4 (MANE Select); coding-DNA position 2311, C replaced by G.
Protein change: p.Pro771Ala; replaces proline 771 with alanine.
Molecular consequence: missense variant.
Genome position (GRCh38, 1-based): chr3:38,728,871, G>C on the plus strand (C>G on the coding strand, the complement: SCN10A is on the minus strand). VCF-style: chr3-38728871-G-C. GRCh37 (hg19) VCF-style: chr3-38770362-G-C.
Other names: c.2311C>G, p.Pro771Ala (NM_001293306.2); c.2017C>G, p.Pro673Ala (NM_001293307.2); short protein forms P673A, P771A.
Identifiers: ClinVar variation 862078 (VCV000862078.9), dbSNP rs2063486138, ClinGen allele CA352161323.
Genomic context (GRCh38, chr3:38,728,871, plus strand): 5'-TGAGGTTCCCCAGTGCCCCCACTGAGTTTCCGATGATCTTGATGAGTGTGTTTAAGGTGG[G>C]CCAGGATTTGGCCAGCTTGAATACGCGCAGCTGCAGAGAAACAGAGACCGTCAGGTTTTG-3'
Protein context (NP_006505.4, residues 761-781): LRVFKLAKSW[Pro771Ala]TLNTLIKIIG

ClinVar aggregate classification (germline): Uncertain significance. Review status: criteria provided, multiple submitters, no conflicts (2 of 4 stars). 3 submissions from 3 submitters: Uncertain significance (3). Last evaluated 2024-09-22.

Conditions:
Cardiovascular phenotype. Identifiers: MedGen CN230736.
Episodic pain syndrome, familial, 2 (FEPS2). Identifiers: Orphanet 306577, MedGen C3809893, MONDO:0014246, OMIM 615551.
Brugada syndrome. Also called: Sudden Unexplained Death Syndrome; Sudden Unexplained Nocturnal Death Syndrome (SUNDS); Sudden unexpected nocturnal death syndrome; Sudden unexplained nocturnal death syndrome. Identifiers: Orphanet 130, MedGen C1142166, MONDO:0015263.

gnomAD v4.1: 7 of 1,612,422 alleles (0.00043%); highest among the groups gnomAD compares: Non-Finnish European, 0.00059%; no homozygotes.

Submissions (3):

Labcorp Genetics (formerly Invitae), Labcorp
Classification: Uncertain significance for Brugada syndrome. Last evaluated: 2024-09-22. Review status: criteria provided, single submitter. Criteria: Invitae Variant Classification Sherloc (09022015). Collection method: clinical testing. Allele origin: germline.
Comment: This sequence change replaces proline, which is neutral and non-polar, with alanine, which is neutral and non-polar, at codon 771 of the SCN10A protein (p.Pro771Ala). This variant is not present in population databases (gnomAD no frequency). This variant has not been reported in the literature in individuals affected with SCN10A-related conditions. ClinVar contains an entry for this variant (Variation ID: 862078). Invitae Evidence Modeling of protein sequence and biophysical properties (such as structural, functional, and spatial information, amino acid conservation, physicochemical variation, residue mobility, and thermodynamic stability) indicates that this missense variant is expected to disrupt SCN10A protein function with a positive predictive value of 80%. In summary, the available evidence is currently insufficient to determine the role of this variant in disease. Therefore, it has been classified as a Variant of Uncertain Significance.

MVZ Medizinische Genetik Mainz
Classification: Uncertain significance for Episodic pain syndrome, familial, 2. Last evaluated: 2023-07-26. Review status: criteria provided, single submitter. Criteria: UK Practice Guidelines For Variant Classification V4 01 2020. Collection method: clinical testing. Allele origin: germline. Inheritance: Autosomal dominant inheritance. Affected: yes. Observed: 1 variant allele.
Comment: ACMG Criteria: PP3_MOD,PM2_SUP

Ambry Genetics
Classification: Uncertain significance for Cardiovascular phenotype. Last evaluated: 2022-09-26. Review status: criteria provided, single submitter. Criteria: Ambry Variant Classification Scheme 2023. Collection method: clinical testing. Allele origin: germline.
Comment: The p.P771A variant (also known as c.2311C>G), located in coding exon 15 of the SCN10A gene, results from a C to G substitution at nucleotide position 2311. The proline at codon 771 is replaced by alanine, an amino acid with highly similar properties. This amino acid position is conserved. In addition, this alteration is predicted to be deleterious by in silico analysis. Since supporting evidence is limited at this time, the clinical significance of this alteration remains unclear.